The following is an entry in ClinVar:

NM_000489.6(ATRX):c.3214G>C (p.Asp1072His)

Gene: ATRX (ATRX chromatin remodeler; minus strand). Cytogenetic location: Xq21.1.
Variant type: single nucleotide variant.
Coding change: c.3214G>C on transcript NM_000489.6 (MANE Select); coding-DNA position 3214, G replaced by C.
Protein change: p.Asp1072His; replaces aspartic acid 1072 with histidine.
Molecular consequence: missense variant.
Genome position (GRCh38, 1-based): chrX:77,682,042, C>G on the plus strand (G>C on the coding strand, the complement: ATRX is on the minus strand). VCF-style: chrX-77682042-C-G. GRCh37 (hg19) VCF-style: chrX-76937534-C-G.
Other names: c.3100G>C, p.Asp1034His (NM_138270.5); short protein forms D1034H, D1072H.
Identifiers: ClinVar variation 1921108 (VCV001921108.5), dbSNP rs1353324968, ClinGen allele CA413707313.
Genomic context (GRCh38, chrX:77,682,042, plus strand): 5'-TCTTCTCTCTACCATATGCTCCATTCTTACTCTTTTTATCCTCTGAAGAGTCACAACTAT[C>G]TCCTTTCCCTGTTGACTTCTCAGCATAATCAGATAATTCATCCTTCTTTTTAGAAGTTTT-3'
Protein context (NP_000480.3, residues 1062-1082): DYAEKSTGKG[Asp1072His]SCDSSEDKKS

ClinVar aggregate classification (germline): Uncertain significance (1 of 4 stars; one submission).

Conditions:
Alpha thalassemia-X-linked intellectual disability syndrome (ATRX). Also called: ATR, NONDELETION TYPE; ATR-X syndrome; Alpha thalassemia mental retardation syndrome, nondeletion type, X-linked; XLMR hypotonic face syndrome; ALPHA-THALASSEMIA/MENTAL RETARDATION SYNDROME, X-LINKED; X-linked alpha-thalassemia-mental retardation syndrome. Identifiers: Orphanet 847, MedGen C1845055, MONDO:0010519, OMIM 301040.

Allele frequency attached by ClinVar (database versions not stated): gnomAD exomes below 0.00001; gnomAD 0.00001; TOPMed below 0.00001.
gnomAD v4.1: 4 of 1,209,217 alleles (0.00033%); highest among the groups gnomAD compares: Non-Finnish European, 0.00045%; no homozygotes.

Submission:

Labcorp Genetics (formerly Invitae), Labcorp
Classification: Uncertain significance for Alpha thalassemia-X-linked intellectual disability syndrome. Last evaluated: 2024-12-07. Review status: criteria provided, single submitter. Criteria: Invitae Variant Classification Sherloc (09022015). Collection method: clinical testing. Allele origin: germline.
Comment: This sequence change replaces aspartic acid, which is acidic and polar, with histidine, which is basic and polar, at codon 1072 of the ATRX protein (p.Asp1072His). This variant is not present in population databases (gnomAD no frequency). This variant has not been reported in the literature in individuals affected with ATRX-related conditions. ClinVar contains an entry for this variant (Variation ID: 1921108). Invitae Evidence Modeling of protein sequence and biophysical properties (such as structural, functional, and spatial information, amino acid conservation, physicochemical variation, residue mobility, and thermodynamic stability) indicates that this missense variant is not expected to disrupt ATRX protein function with a negative predictive value of 95%. In summary, the available evidence is currently insufficient to determine the role of this variant in disease. Therefore, it has been classified as a Variant of Uncertain Significance.